The following is an entry in ClinVar:

NM_000059.4(BRCA2):c.1574C>G (p.Thr525Ser)

Gene: BRCA2 (BRCA2 DNA repair associated; plus strand). Cytogenetic location: 13q13.1.
Variant type: single nucleotide variant.
Coding change: c.1574C>G on transcript NM_000059.4 (MANE Select); coding-DNA position 1574, C replaced by G.
Protein change: p.Thr525Ser; replaces threonine 525 with serine.
Molecular consequence: missense variant.
Genome position (GRCh38, 1-based): chr13:32,333,052, C>G. VCF-style: chr13-32333052-C-G. GRCh37 (hg19) VCF-style: chr13-32907189-C-G.
Other names: short protein forms T525S.
Identifiers: ClinVar variation 252415 (VCV000252415.28), dbSNP rs397507271, ClinGen allele CA6940526.

ClinVar aggregate classification (germline): Conflicting classifications of pathogenicity. Review status: criteria provided, conflicting classifications (1 of 4 stars). 7 submissions from 7 submitters: Uncertain significance (5); Likely benign (2). Last evaluated 2025-12-22.

Conditions:
Hereditary cancer-predisposing syndrome. Also called: Tumor predisposition; Hereditary neoplastic syndrome; Neoplastic Syndromes, Hereditary; Hereditary Cancer Syndrome. Identifiers: Orphanet 140162, MedGen C0027672, MeSH D009386, MONDO:0015356.
Hereditary breast ovarian cancer syndrome. Also called: Hereditary breast and ovarian cancer; Hereditary breast and/or ovarian cancer syndrome; Breast and ovarian cancer; Hereditary breast and ovarian cancer syndrome; BRCA1- and BRCA2-Associated Hereditary Breast and Ovarian Cancer; Hereditary breast and ovarian cancer syndrome (HBOC). Identifiers: Orphanet 145, MedGen C0677776, MeSH D061325, MONDO:0003582. Disease mechanism: loss of function.

Allele frequency attached by ClinVar (database versions not stated): TOPMed 0.00001; ExAC 0.00002; gnomAD exomes 0.00002.
gnomAD v4.1: 8 of 1,608,372 alleles (0.0005%); highest among the groups gnomAD compares: Admixed American, 0.012%; no homozygotes.

Submissions (7):

Labcorp Genetics (formerly Invitae), Labcorp
Classification: Uncertain significance for Hereditary breast ovarian cancer syndrome. Last evaluated: 2025-12-22. Review status: criteria provided, single submitter. Criteria: Invitae Variant Classification Sherloc (09022015). Collection method: clinical testing. Allele origin: germline.
Comment: This sequence change replaces threonine, which is neutral and polar, with serine, which is neutral and polar, at codon 525 of the BRCA2 protein (p.Thr525Ser). This variant is present in population databases (rs397507271, gnomAD 0.02%). This missense change has been observed in individual(s) with breast or ovarian or pancreatic cancer (PMID: 27882536, 31331294, 39187384). ClinVar contains an entry for this variant (Variation ID: 252415). Invitae Evidence Modeling of protein sequence and biophysical properties (such as structural, functional, and spatial information, amino acid conservation, physicochemical variation, residue mobility, and thermodynamic stability) indicates that this missense variant is not expected to disrupt BRCA2 protein function with a negative predictive value of 95%. In summary, the available evidence is currently insufficient to determine the role of this variant in disease. Therefore, it has been classified as a Variant of Uncertain Significance.

Women's Health and Genetics/Laboratory Corporation of America, LabCorp
Classification: Uncertain significance. Last evaluated: 2025-12-17. Review status: criteria provided, single submitter. Criteria: LabCorp Variant Classification Summary - May 2015. Collection method: clinical testing. Allele origin: germline.
Comment: Variant summary: BRCA2 c.1574C>G (p.Thr525Ser) results in a conservative amino acid change in the encoded protein sequence. Algorithms developed to predict the effect of missense changes on protein structure and function all suggest that this variant is likely to be tolerated. The variant allele was found at a frequency of 2e-05 in 245296 control chromosomes. The available data on variant occurrences in the general population are insufficient to allow any conclusion about variant significance. c.1574C>G has been reported in the literature in individuals with a personal or family history of breast cancer or colorectal cancer (Ricker_2017, Zayas-Villanueva_2019, Herzog_2021, Al Amri_2024). These report(s) do not provide unequivocal conclusions about association of the variant with Hereditary Breast And Ovarian Cancer Syndrome. To our knowledge, no experimental evidence demonstrating an impact on protein function has been reported. The following publications have been ascertained in the context of this evaluation (PMID: 39187384, 34413315, 28640387, 31331294). ClinVar contains an entry for this variant (Variation ID: 252415). Based on the evidence outlined above, the variant was classified as uncertain significance.

Quest Diagnostics Nichols Institute San Juan Capistrano
Classification: Uncertain significance. Last evaluated: 2025-08-26. Review status: criteria provided, single submitter. Criteria: Quest Diagnostics criteria. Collection method: clinical testing. Allele origin: unknown.
Comment: The BRCA2 c.1574C>G (p.Thr525Ser) variant has been reported in the published literature in individuals with breast cancer (PMID: 31331294 (2019), 39187384 (2024)), colorectal cancer (PMID: 28640387 (2017)), and a reportedly unaffected individual (PMID: 30630528 (2019)). This variant has also been described to be located in a region of the BRCA2 gene that is tolerant to missense sequence changes (PMID: 31911673 (2020)). The frequency of this variant in the general population (Genome Aggregation Database) is uninformative in the assessment of its pathogenicity. Analysis of this variant using bioinformatics tools for the prediction of the effect of amino acid changes on protein structure and function yielded predictions that this variant is benign. Based on the available information, we are unable to determine the clinical significance of this variant.

Ambry Genetics
Classification: Likely benign for Hereditary cancer-predisposing syndrome. Last evaluated: 2024-12-20. Review status: criteria provided, single submitter. Criteria: Ambry Variant Classification Scheme 2023. Collection method: clinical testing. Allele origin: germline.

GeneDx
Classification: Uncertain significance. Last evaluated: 2024-01-18. Review status: criteria provided, single submitter. Criteria: GeneDx Variant Classification Process June 2021. Collection method: clinical testing. Allele origin: germline.
Comment: Identified in patients with breast or colorectal cancer (PMID: 28640387, 31331294); Not observed at significant frequency in large population cohorts (gnomAD); In silico analysis supports that this missense variant does not alter protein structure/function; Also known as 1802C>G; This variant is associated with the following publications: (PMID: 27882536, 28640387, 30630528, 31331294)

University of Washington Department of Laboratory Medicine, University of Washington
Classification: Likely benign for Hereditary cancer-predisposing syndrome. Last evaluated: 2023-03-23. Review status: criteria provided, single submitter. Criteria: Dines et al. (Genet Med. 2020). Collection method: curation. Allele origin: germline.
Comment: Missense variant in a coldspot region where missense variants are very unlikely to be pathogenic (PMID:31911673).

BRCA2 exon 10 coldspot. Reclassification based on statistical prior probability.

Color Diagnostics, LLC DBA Color Health
Classification: Uncertain significance for Hereditary cancer-predisposing syndrome. Last evaluated: 2021-10-26. Review status: criteria provided, single submitter. Criteria: ACMG Guidelines, 2015. Collection method: clinical testing. Allele origin: germline.
Comment: This missense variant replaces threonine with serine at codon 525 of the BRCA2 protein. Computational prediction suggests that this variant may not impact protein structure and function (internally defined REVEL score threshold <= 0.5, PMID: 27666373). To our knowledge, functional studies have not been reported for this variant. This variant has not been reported in individuals affected with hereditary cancer in the literature. However, a different mutation leading to the same protein change has been reported in an individual affected with breast, ovarian or pancreatic cancer (PMID: 27882536). This variant has been identified in 5/245296 chromosomes in the general population by the Genome Aggregation Database (gnomAD). The available evidence is insufficient to determine the role of this variant in disease conclusively. Therefore, this variant is classified as a Variant of Uncertain Significance.

Literature cited by the submitters: PubMed 27882536 (cited by 3 submitters); PubMed 31331294 (cited by 4 submitters); PubMed 39187384 (cited by 3 submitters); PubMed 28640387 (cited by 3 submitters); PubMed 34413315 (cited by Women's Health and Genetics/Laboratory Corporation of America, LabCorp and Quest Diagnostics Nichols Institute San Juan Capistrano); PubMed 30630528 (cited by Quest Diagnostics Nichols Institute San Juan Capistrano and Ambry Genetics); PubMed 31911673 (cited by Quest Diagnostics Nichols Institute San Juan Capistrano).